The following is an entry in ClinVar:

ClinVar aggregate classification (germline): Pathogenic. Review status: criteria provided, multiple submitters, no conflicts (2 of 4 stars). 3 submissions from 3 submitters: Pathogenic (2). 1 of the submissions does not count toward it. Last evaluated 2023-11-18.

Conditions:
Complex cortical dysplasia with other brain malformations 3. Identifiers: MedGen C3809414, MONDO:0014170, OMIM 615411.

Submissions (3):

GeneDx
Classification: Pathogenic. Last evaluated: 2023-11-18. Review status: criteria provided, single submitter. Criteria: GeneDx Variant Classification Process June 2021. Collection method: clinical testing. Allele origin: germline. Affected: yes.
Comment: Not observed at significant frequency in large population cohorts (gnomAD); This variant is associated with the following publications: (PMID: 23603762, 27747449, 29077851)

Labcorp Genetics (formerly Invitae), Labcorp
Classification: Pathogenic. Last evaluated: 2017-11-25. Review status: criteria provided, single submitter. Criteria: Invitae Variant Classification Sherloc (09022015). Collection method: clinical testing. Allele origin: germline.
Comment: For these reasons, this variant has been classified as Pathogenic. Algorithms developed to predict the effect of missense changes on protein structure and function do not agree on the potential impact of this missense change (SIFT: "Deleterious"; PolyPhen-2: "Possibly Damaging"; Align-GVGD: "Class C0"). This variant has been reported to be de novo in individuals affected with KIF2A-related disease (PMID: 27747449, 23603762). ClinVar contains an entry for this variant (Variation ID: 65401). This variant is not present in population databases (ExAC no frequency). This sequence change replaces serine with asparagine at codon 317 of the KIF2A protein (p.Ser317Asn). The serine residue is moderately conserved and there is a small physicochemical difference between serine and asparagine.

OMIM
Classification: Pathogenic for CORTICAL DYSPLASIA, COMPLEX, WITH OTHER BRAIN MALFORMATIONS 3. Last evaluated: 2013-06-01. Review status: no assertion criteria provided. Collection method: literature only. Allele origin: germline. Not counted in ClinVar's aggregate classification.

Literature cited by the submitters: PubMed 27747449 (cited by Labcorp Genetics (formerly Invitae), Labcorp); PubMed 23603762 (cited by Labcorp Genetics (formerly Invitae), Labcorp); Poirier, K., Lebrun, N., Broix, L., Tian, G., Saillour, Y., Boscheron, C., Parrini, E., Valence, S., Saint Pierre, B., Oger, M., Lacombe, D., Genevieve, D., and 23 others Mutations in TUBG1, DYNC1H1, KIF5C and KIF2A cause malformations of cortical development and microcephaly. Nature Genet. 45: 639-647, 2013. Note: Erratum: Nature Genet. 45: 962 only, 2013. (cited by OMIM).

NM_001098511.3(KIF2A):c.950G>A (p.Ser317Asn)

Gene: KIF2A (kinesin family member 2A; plus strand). Cytogenetic location: 5q12.1.
Variant type: single nucleotide variant.
Coding change: c.950G>A on transcript NM_001098511.3 (MANE Select); coding-DNA position 950, G replaced by A.
Protein change: p.Ser317Asn; replaces serine 317 with asparagine.
Molecular consequence: missense variant.
Genome position (GRCh38, 1-based): chr5:62,361,319, G>A. VCF-style: chr5-62361319-G-A. GRCh37 (hg19) VCF-style: chr5-61657146-G-A.
Other names: c.950G>A (NM_001098511.2); c.869G>A, p.Ser290Asn (NM_001243952.2); c.893G>A, p.Ser298Asn (NM_001243953.2); c.950G>A, p.Ser317Asn (NM_004520.5); short protein forms S317N, S298N, S290N.
Identifiers: ClinVar variation 65401 (VCV000065401.11), dbSNP rs587777034, ClinGen allele CA144768.